The following is an entry in ClinVar:

NM_006206.6(PDGFRA):c.1609A>G (p.Ile537Val)

Gene: PDGFRA (platelet derived growth factor receptor alpha; plus strand). Cytogenetic location: 4q12.
Variant type: single nucleotide variant.
Coding change: c.1609A>G on transcript NM_006206.6 (MANE Select); coding-DNA position 1609, A replaced by G.
Protein change: p.Ile537Val; replaces isoleucine 537 with valine.
Molecular consequence: missense variant.
Genome position (GRCh38, 1-based): chr4:54,274,581, A>G. VCF-style: chr4-54274581-A-G. GRCh37 (hg19) VCF-style: chr4-55140748-A-G.
Other names: c.1609A>G, p.Ile537Val (NM_001347829.2, NM_001347827.2); c.1648A>G, p.Ile550Val (NM_001347830.2); c.1684A>G, p.Ile562Val (NM_001347828.2); short protein forms I537V, I550V, I562V.
Identifiers: ClinVar variation 3305461 (VCV003305461.1).
Genomic context (GRCh38, chr4:54,274,581, plus strand): 5'-TGTCACGTAGCCCTGCGTTCTGAACTCACGGTGGCTGCTGCAGTCCTGGTGCTGTTGGTG[A>G]TTGTGATCATCTCACTTATTGTCCTGGTTGTCATTTGGAAACAGGTAGATATTTTCTCAT-3'
Protein context (NP_006197.1, residues 527-547): VAAAVLVLLV[Ile537Val]VIISLIVLVV

ClinVar aggregate classification (germline): Uncertain significance (1 of 4 stars; one submission).

Conditions:
Hereditary cancer-predisposing syndrome. Also called: Tumor predisposition; Hereditary Cancer Syndrome; Hereditary neoplastic syndrome; Neoplastic Syndromes, Hereditary. Identifiers: Orphanet 140162, MedGen C0027672, MeSH D009386, MONDO:0015356.

Submission:

Ambry Genetics
Classification: Uncertain significance for Hereditary cancer-predisposing syndrome. Last evaluated: 2024-04-05. Review status: criteria provided, single submitter. Criteria: Ambry Variant Classification Scheme 2023. Collection method: clinical testing. Allele origin: germline.
Comment: The p.I537V variant (also known as c.1609A>G), located in coding exon 10 of the PDGFRA gene, results from an A to G substitution at nucleotide position 1609. The isoleucine at codon 537 is replaced by valine, an amino acid with highly similar properties. This amino acid position is conserved. In addition, this alteration is predicted to be tolerated by in silico analysis. Based on the available evidence, the clinical significance of this variant remains unclear.